The following is an entry in ClinVar:

ClinVar aggregate classification (germline): Conflicting classifications of pathogenicity. Review status: criteria provided, conflicting classifications (1 of 4 stars). 2 submissions from 2 submitters: Uncertain significance (1); Likely benign (1). Last evaluated 2025-02-16.

gnomAD v4.1: 4 of 1,211,303 alleles (0.00033%); highest among the groups gnomAD compares: Non-Finnish European, 0.00034%; no homozygotes.

Submissions (2):

Laboratory of Genetics, Children's Clinical University Hospital Latvia
Classification: Likely benign. Last evaluated: 2025-02-16. Review status: criteria provided, single submitter. Criteria: ACMG Guidelines, 2015. Collection method: clinical testing. Allele origin: germline. Affected: yes.

GeneDx
Classification: Uncertain significance. Last evaluated: 2024-05-19. Review status: criteria provided, single submitter. Criteria: GeneDx Variant Classification Process June 2021. Collection method: clinical testing. Allele origin: germline. Affected: yes.
Comment: Not observed at significant frequency in large population cohorts (gnomAD); In silico analysis indicates that this missense variant does not alter protein structure/function; Has not been previously published as pathogenic or benign to our knowledge

NM_020922.5(WNK3):c.3535C>G (p.Gln1179Glu)

Gene: WNK3 (WNK lysine deficient protein kinase 3; minus strand). Cytogenetic location: Xp11.22.
Variant type: single nucleotide variant.
Coding change: c.3535C>G on transcript NM_020922.5 (MANE Select); coding-DNA position 3535, C replaced by G.
Protein change: p.Gln1179Glu; replaces glutamine 1179 with glutamic acid.
Molecular consequence: missense variant.
Genome position (GRCh38, 1-based): chrX:54,248,813, G>C on the plus strand (C>G on the coding strand, the complement: WNK3 is on the minus strand). VCF-style: chrX-54248813-G-C. GRCh37 (hg19) VCF-style: chrX-54275246-G-C.
Other names: c.3535C>G, p.Gln1179Glu (NM_001002838.4, NM_001395166.1); short protein forms Q1179E.
Identifiers: ClinVar variation 3381647 (VCV003381647.2).